The following is an entry in ClinVar:

ClinVar aggregate classification (germline): Benign. Review status: criteria provided, multiple submitters, no conflicts (2 of 4 stars). 3 submissions from 3 submitters: Benign (3). Last evaluated 2026-01-27.

Allele frequency attached by ClinVar (database versions not stated): gnomAD exomes 0.00129 and 0.00341; ExAC 0.00441; gnomAD 0.01351 and 0.01439; TOPMed 0.01466; 1000 Genomes Project 0.01558; ESP Exome Variant Server 0.01607; 1000 Genomes Project 30x 0.01889.
gnomAD v4.1: 4,020 of 1,614,216 alleles (0.25%); highest among the groups gnomAD compares: African/African-American, 4.6%; 99 homozygotes.

Submissions (3):

Labcorp Genetics (formerly Invitae), Labcorp
Classification: Benign. Last evaluated: 2026-01-27. Review status: criteria provided, single submitter. Criteria: Invitae Variant Classification Sherloc (09022015). Collection method: clinical testing. Allele origin: germline.

Mayo Clinic Laboratories, Mayo Clinic
Classification: Benign. Last evaluated: 2024-04-10. Review status: criteria provided, single submitter. Criteria: ACMG Guidelines, 2015. Collection method: clinical testing. Allele origin: germline. Observed: 4 variant alleles.
Comment: BA1, BS2, BP7

Breakthrough Genomics
Classification: Benign. Review status: criteria provided, single submitter. Criteria: ACMG Guidelines, 2015. Collection method: not provided. Allele origin: germline. Inheritance: Autosomal dominant inheritance. Affected: yes.

NM_001256071.3(RNF213):c.13308C>T (p.Asp4436=)

Genes: RNF213 (ring finger protein 213; plus strand), RNF213-AS1 (RNF213 antisense RNA 1; minus strand). Cytogenetic location: 17q25.3.
Variant type: single nucleotide variant.
Coding change: c.13308C>T on transcript NM_001256071.3 (MANE Select); coding-DNA position 13308, C replaced by T.
Protein change: p.Asp4436=; no amino-acid change (aspartic acid 4436 retained).
Molecular consequence: synonymous variant.
Genome position (GRCh38, 1-based): chr17:80,376,423, C>T. VCF-style: chr17-80376423-C-T. GRCh37 (hg19) VCF-style: chr17-78350223-C-T.
Other names: p.Asp4436=.
Identifiers: ClinVar variation 781334 (VCV000781334.10), dbSNP rs61729879, ClinGen allele CA8822535.
Genomic context (GRCh38, chr17:80,376,423, plus strand): 5'-CCGTTTTGCAACATCGCTCGTGGACAATTCTGTGCCATTGTTGAGGGCGGGGCCTAGTGA[C>T]AGCAACCTTGATGGAACGGTGACAGAAATGGCCATTCATGCTGCAGCCGTCCTTCTGTGT-3'
Protein context (NP_001243000.2, residues 4426-4446): SVPLLRAGPS[Asp4436=]SNLDGTVTEM